The following is an entry in ClinVar:

ClinVar aggregate classification (germline): Likely pathogenic (1 of 4 stars; one submission).

Conditions:
Hypertrophic cardiomyopathy. Also called: HYPERTROPHIC MYOCARDIOPATHY. Identifiers: Orphanet 217569, MedGen C0007194, MeSH D002312, MONDO:0005045, HP:0001639.

Submission:

Labcorp Genetics (formerly Invitae), Labcorp
Classification: Likely pathogenic for Hypertrophic cardiomyopathy. Last evaluated: 2021-02-09. Review status: criteria provided, single submitter. Criteria: Invitae Variant Classification Sherloc (09022015). Collection method: clinical testing. Allele origin: germline.
Comment: In summary, the currently available evidence indicates that the variant is pathogenic, but additional data are needed to prove that conclusively. Therefore, this variant has been classified as Likely Pathogenic. Algorithms developed to predict the effect of sequence changes on RNA splicing suggest that this variant may disrupt the consensus splice site, but this prediction has not been confirmed by published transcriptional studies. This variant has not been reported in the literature in individuals with MYBPC3-related conditions. This variant is not present in population databases (ExAC no frequency). This sequence change affects an acceptor splice site in intron 29 of the MYBPC3 gene. It is expected to disrupt RNA splicing. Variants that disrupt the donor or acceptor splice site typically lead to a loss of protein function (PMID: 16199547), and loss-of-function variants in MYBPC3 are known to be pathogenic (PMID: 19574547).

Literature cited by the submitters: PubMed 16199547; PubMed 19574547.

NM_000256.3(MYBPC3):c.3191-1G>C

Gene: MYBPC3 (myosin binding protein C3; minus strand). Cytogenetic location: 11p11.2.
Variant type: single nucleotide variant.
Coding change: c.3191-1G>C on transcript NM_000256.3 (MANE Select); the canonical splice acceptor site of the intron before coding-DNA position 3191, G replaced by C.
Molecular consequence: splice acceptor variant.
Genome position (GRCh38, 1-based): chr11:47,333,334, C>G on the plus strand (G>C on the coding strand, the complement: MYBPC3 is on the minus strand). VCF-style: chr11-47333334-C-G. GRCh37 (hg19) VCF-style: chr11-47354885-C-G.
Identifiers: ClinVar variation 1068244 (VCV001068244.9), dbSNP rs2095879167, ClinGen allele CA380314566.